The following is an entry in ClinVar:

ClinVar aggregate classification (germline): Uncertain significance. Review status: criteria provided, multiple submitters, no conflicts (2 of 4 stars). 2 submissions from 2 submitters: Uncertain significance (2). Last evaluated 2023-12-05.

Conditions:
Hereditary cancer-predisposing syndrome. Also called: Hereditary Cancer Syndrome; Neoplastic Syndromes, Hereditary; Tumor predisposition; Hereditary neoplastic syndrome. Identifiers: Orphanet 140162, MedGen C0027672, MeSH D009386, MONDO:0015356.

Submissions (2):

Color Diagnostics, LLC DBA Color Health
Classification: Uncertain significance for Hereditary cancer-predisposing syndrome. Last evaluated: 2023-12-05. Review status: criteria provided, single submitter. Criteria: ACMG Guidelines, 2015. Collection method: clinical testing. Allele origin: germline.
Comment: This missense variant replaces proline with leucine at codon 365 of the BARD1 protein. Computational prediction suggests that this variant may not impact protein structure and function (internally defined REVEL score threshold <= 0.5, PMID: 27666373). To our knowledge, functional studies have not been reported for this variant. This variant has not been reported in individuals affected with BARD1-related disorders in the literature. This variant has not been identified in the general population by the Genome Aggregation Database (gnomAD). The available evidence is insufficient to determine the role of this variant in disease conclusively. Therefore, this variant is classified as a Variant of Uncertain Significance.

Ambry Genetics
Classification: Uncertain significance for Hereditary cancer-predisposing syndrome. Last evaluated: 2018-11-13. Review status: criteria provided, single submitter. Criteria: Ambry Variant Classification Scheme 2023. Collection method: clinical testing. Allele origin: germline.
Comment: The p.P365L variant (also known as c.1094C>T), located in coding exon 4 of the BARD1 gene, results from a C to T substitution at nucleotide position 1094. The proline at codon 365 is replaced by leucine, an amino acid with similar properties. This amino acid position is not well conserved in available vertebrate species. In addition, this alteration is predicted to be tolerated by in silico analysis. Since supporting evidence is limited at this time, the clinical significance of this alteration remains unclear.

NM_000465.4(BARD1):c.1094C>T (p.Pro365Leu)

Gene: BARD1 (BRCA1 associated RING domain 1; minus strand). Cytogenetic location: 2q35.
Variant type: single nucleotide variant.
Coding change: c.1094C>T on transcript NM_000465.4 (MANE Select); coding-DNA position 1094, C replaced by T.
Protein change: p.Pro365Leu; replaces proline 365 with leucine.
Molecular consequence: missense variant. On other transcripts: non-coding transcript variant (2), intron variant (3).
Genome position (GRCh38, 1-based): chr2:214,780,780, G>A on the plus strand (C>T on the coding strand, the complement: BARD1 is on the minus strand). VCF-style: chr2-214780780-G-A. GRCh37 (hg19) VCF-style: chr2-215645504-G-A.
Other names: c.1037C>T, p.Pro346Leu (NM_001282543.2); c.159-28225C>T (NM_001282548.2); c.215+16281C>T (NM_001282545.2); c.364+11517C>T (NM_001282549.2); short protein forms P365L, P346L.
Identifiers: ClinVar variation 490917 (VCV000490917.10), dbSNP rs1553622254, ClinGen allele CA350454069.